The following is an entry in ClinVar:

ClinVar aggregate classification (germline): Uncertain significance (1 of 4 stars; one submission).

Allele frequency attached by ClinVar (database versions not stated): ExAC 0.00002.
gnomAD v4.1: 13 of 1,592,034 alleles (0.00082%); highest among the groups gnomAD compares: South Asian, 0.015%; no homozygotes.

Submission:

Labcorp Genetics (formerly Invitae), Labcorp
Classification: Uncertain significance. Last evaluated: 2023-05-23. Review status: criteria provided, single submitter. Criteria: Invitae Variant Classification Sherloc (09022015). Collection method: clinical testing. Allele origin: germline.
Comment: In summary, the available evidence is currently insufficient to determine the role of this variant in disease. Therefore, it has been classified as a Variant of Uncertain Significance. Advanced modeling of protein sequence and biophysical properties (such as structural, functional, and spatial information, amino acid conservation, physicochemical variation, residue mobility, and thermodynamic stability) performed at Invitae indicates that this missense variant is expected to disrupt PROM1 protein function. This variant has not been reported in the literature in individuals affected with PROM1-related conditions. This variant is present in population databases (rs779664417, gnomAD 0.01%). This sequence change replaces phenylalanine, which is neutral and non-polar, with valine, which is neutral and non-polar, at codon 482 of the PROM1 protein (p.Phe482Val).

NM_006017.3(PROM1):c.1444T>G (p.Phe482Val)

Gene: PROM1 (prominin 1; minus strand). Cytogenetic location: 4p15.32.
Variant type: single nucleotide variant.
Coding change: c.1444T>G on transcript NM_006017.3 (MANE Select); coding-DNA position 1444, T replaced by G.
Protein change: p.Phe482Val; replaces phenylalanine 482 with valine.
Molecular consequence: missense variant.
Genome position (GRCh38, 1-based): chr4:16,006,548, A>C on the plus strand (T>G on the coding strand, the complement: PROM1 is on the minus strand). VCF-style: chr4-16006548-A-C. GRCh37 (hg19) VCF-style: chr4-16008171-A-C.
Other names: c.1417T>G, p.Phe473Val (NM_001145847.2, NM_001145848.2, NM_001145851.2 and 4 more transcripts); c.1444T>G, p.Phe482Val (NM_001145849.2, NM_001145850.2); short protein forms F473V, F482V.
Identifiers: ClinVar variation 2806713 (VCV002806713.3), dbSNP rs779664417, ClinGen allele CA2866769.